The following is an entry in ClinVar:

NM_001458.5(FLNC):c.2711T>G (p.Val904Gly)

Gene: FLNC (filamin C; plus strand). Cytogenetic location: 7q32.1.
Variant type: single nucleotide variant.
Coding change: c.2711T>G on transcript NM_001458.5 (MANE Select); coding-DNA position 2711, T replaced by G.
Protein change: p.Val904Gly; replaces valine 904 with glycine.
Molecular consequence: missense variant.
Genome position (GRCh38, 1-based): chr7:128,843,477, T>G. VCF-style: chr7-128843477-T-G. GRCh37 (hg19) VCF-style: chr7-128483531-T-G.
Other names: c.2711T>G, p.Val904Gly (NM_001127487.2); short protein forms V904G.
Identifiers: ClinVar variation 1517226 (VCV001517226.6), dbSNP rs2128935993, ClinGen allele CA369192991.

ClinVar aggregate classification (germline): Uncertain significance (1 of 4 stars; one submission).

Conditions:
Myofibrillar myopathy 5. Also called: Filaminopathy (type); FILAMINOPATHY, AUTOSOMAL DOMINANT. Identifiers: Orphanet 171445, MedGen C1836050, MONDO:0012289, OMIM 609524.
Distal myopathy with posterior leg and anterior hand involvement. Also called: WILLIAMS DISTAL MYOPATHY. Identifiers: Orphanet 63273, MedGen C3279722, MONDO:0013550, OMIM 614065.
Hypertrophic cardiomyopathy 26. Also called: Cardiomyopathy, familial hypertrophic, 26. Identifiers: Orphanet 75249, MedGen C4310749, MONDO:0014883, OMIM 617047.

Submission:

Labcorp Genetics (formerly Invitae), Labcorp
Classification: Uncertain significance for Distal myopathy with posterior leg and anterior hand involvement; Myofibrillar myopathy 5; Hypertrophic cardiomyopathy 26. Last evaluated: 2022-01-13. Review status: criteria provided, single submitter. Criteria: Invitae Variant Classification Sherloc (09022015). Collection method: clinical testing. Allele origin: germline.
Comment: In summary, the available evidence is currently insufficient to determine the role of this variant in disease. Therefore, it has been classified as a Variant of Uncertain Significance. Algorithms developed to predict the effect of missense changes on protein structure and function are either unavailable or do not agree on the potential impact of this missense change (SIFT: "Deleterious"; PolyPhen-2: "Probably Damaging"; Align-GVGD: "Class C0"). This variant has not been reported in the literature in individuals affected with FLNC-related conditions. This variant is not present in population databases (gnomAD no frequency). This sequence change replaces valine, which is neutral and non-polar, with glycine, which is neutral and non-polar, at codon 904 of the FLNC protein (p.Val904Gly).